The following is an entry in ClinVar:

NM_003036.4(SKI):c.439C>T (p.His147Tyr)

Gene: SKI (SKI proto-oncogene; plus strand). Cytogenetic location: 1p36.33.
Variant type: single nucleotide variant.
Coding change: c.439C>T on transcript NM_003036.4 (MANE Select); coding-DNA position 439, C replaced by T.
Protein change: p.His147Tyr; replaces histidine 147 with tyrosine.
Molecular consequence: missense variant.
Genome position (GRCh38, 1-based): chr1:2,229,205, C>T. VCF-style: chr1-2229205-C-T. GRCh37 (hg19) VCF-style: chr1-2160644-C-T.
Other names: short protein forms H147Y.
Identifiers: ClinVar variation 4810757 (VCV004810757.1).

ClinVar aggregate classification (germline): Uncertain significance (1 of 4 stars; one submission).

Conditions:
Shprintzen-Goldberg syndrome (SGS). Also called: Marfanoid disorder with craniosynostosis type 1; Marfanoid craniosynostosis syndrome; Shprintzen-Goldberg marfanoid syndrome; SHPRINTZEN-GOLDBERG CRANIOSYNOSTOSIS SYNDROME; CRANIOSYNOSTOSIS WITH ARACHNODACTYLY AND ABDOMINAL HERNIAS. Identifiers: Orphanet 2462, MedGen C1321551, MONDO:0008426, OMIM 182212.

Submission:

Labcorp Genetics (formerly Invitae), Labcorp
Classification: Uncertain significance for Shprintzen-Goldberg syndrome. Last evaluated: 2025-10-19. Review status: criteria provided, single submitter. Criteria: Invitae Variant Classification Sherloc (09022015). Collection method: clinical testing. Allele origin: germline.
Comment: This sequence change replaces histidine, which is basic and polar, with tyrosine, which is neutral and polar, at codon 147 of the SKI protein (p.His147Tyr). This variant is not present in population databases (gnomAD no frequency). This variant has not been reported in the literature in individuals affected with SKI-related conditions. Invitae Evidence Modeling of protein sequence and biophysical properties (such as structural, functional, and spatial information, amino acid conservation, physicochemical variation, residue mobility, and thermodynamic stability) indicates that this missense variant is not expected to disrupt SKI protein function with a negative predictive value of 95%. In summary, the available evidence is currently insufficient to determine the role of this variant in disease. Therefore, it has been classified as a Variant of Uncertain Significance.